The following is an entry in ClinVar:

NM_033056.4(PCDH15):c.4726C>T (p.Gln1576Ter)

Gene: PCDH15 (protocadherin related 15; minus strand). Cytogenetic location: 10q21.1.
Variant type: single nucleotide variant.
Coding change: c.4726C>T on transcript NM_033056.4 (MANE Plus Clinical); coding-DNA position 4726, C replaced by T.
Protein change: p.Gln1576Ter; replaces glutamine 1576 with a stop codon.
Molecular consequence: nonsense. On other transcripts: intron variant (8).
Genome position (GRCh38, 1-based): chr10:53,823,000, G>A on the plus strand (C>T on the coding strand, the complement: PCDH15 is on the minus strand). VCF-style: chr10-53823000-G-A. GRCh37 (hg19) VCF-style: chr10-55582760-G-A.
Other names: NM_001384140.1(PCDH15):c.4368-2770C>T; c.4747C>T, p.Gln1583Ter (NM_001142763.2); c.4732C>T, p.Gln1578Ter (NM_001142764.2); c.4519C>T, p.Gln1507Ter (NM_001142765.2); c.4717C>T, p.Gln1573Ter (NM_001142766.2); c.4606C>T, p.Gln1536Ter (NM_001142767.2); c.4666C>T, p.Gln1556Ter (NM_001142768.2); c.4657C>T, p.Gln1553Ter (NM_001142773.2); and 7 more; short protein forms Q1576*, Q1553*, Q1554*, Q1556*, Q1573*, Q1507*, Q1536*, Q1583*.
Identifiers: ClinVar variation 553746 (VCV000553746.4), dbSNP rs758204385, ClinGen allele CA5505206.

ClinVar aggregate classification (germline): Uncertain significance. Review status: criteria provided, single submitter (1 of 4 stars). 2 submissions from 2 submitters: Uncertain significance (1). 1 of the submissions does not count toward it. Last evaluated 2023-01-24.

Conditions:
Usher syndrome type 1F (USH1F). Also called: USHER SYNDROME, TYPE IF. Identifiers: Orphanet 231169, Orphanet 886, MedGen C1865885, MONDO:0011186, OMIM 602083.

Allele frequency attached by ClinVar (database versions not stated): gnomAD exomes below 0.00001; ExAC 0.00001.
gnomAD v4.1: 1 of 1,613,990 alleles (0.000062%); highest among the groups gnomAD compares: South Asian, 0.0011%; no homozygotes.

Submissions (2):

Broad Center for Mendelian Genomics, Broad Institute of MIT and Harvard
Classification: Uncertain significance for Usher syndrome type 1F. Last evaluated: 2023-01-24. Review status: criteria provided, single submitter. Criteria: ACMG Guidelines, 2015. Collection method: curation. Allele origin: germline. Inheritance: Autosomal recessive inheritance.
Comment: The p.Gln1578Ter variant in PCDH15 has been reported in 7 individuals with Usher syndrome type 1F (PMID: 28281779, 32747562), segregated with disease in 10 affected relatives from 5 families (PMID: 28281779, 32747562), and has been identified in 0.003% (1/30614) of South Asian chromosomes by the Genome Aggregation Database (gnomAD; dbSNP ID: rs758204385). Although this variant has been seen in the general population in a heterozygous state, its frequency is low enough to be consistent with a recessive carrier frequency. This variant has also been reported in ClinVar (Variation ID#: 553746) and has been interpreted as a variant of uncertain significance by Counsyl. Of the 7 affected individuals, all of those were homozygotes, which increases the likelihood that the p.Gln1578Ter variant is pathogenic (PMID: 28281779, 32747562). This nonsense variant leads to a premature termination codon at position 1578. This variant is found in a region of PCDH15 that has limited evidence supporting an association with Usher syndrome type 1F (PMID: 25307757). In summary, the clinical significance of the p.Gln1578Ter variant is uncertain. ACMG/AMP Criteria applied: PP1_strong, PM3, PM2_supporting (Richards 2015).

Counsyl
Classification: Uncertain significance for Usher syndrome type 1F. Last evaluated: 2017-09-06. Review status: no assertion criteria provided. Collection method: clinical testing. Allele origin: unknown. Not counted in ClinVar's aggregate classification.